The following is an entry in ClinVar:

ClinVar aggregate classification (germline): Uncertain significance (1 of 4 stars; one submission).

Conditions:
Familial intrahepatic cholestasis. Identifiers: Orphanet 284385, MedGen CN296401, MONDO:0017290.

Submission:

Genomenon, Inc
Classification: Uncertain significance for Familial intrahepatic cholestasis. Last evaluated: 2026-04-14. Review status: criteria provided, single submitter. Criteria: Genomenon Sequence Variant Interpretation Standards - Updated. Collection method: curation. Allele origin: germline. Affected: yes.
Comment: ATP8B1 p.Cys265Arg (c.793T>C) is a missense variant that changes the amino acid at residue 265 from Cysteine to Arginine. This variant has been observed in at least one proband with features of ATP8B1-deficiency (PMID:20038848). It is absent or not present at a significant frequency in gnomAD. In silico models predict that this variant is possibly or probably damaging. In conclusion, we classify ATP8B1 p.Cys265Arg (c.793T>C) as a variant of uncertain significance.

Literature cited by the submitters: PubMed 20038848.

NM_001374385.1(ATP8B1):c.793T>C (p.Cys265Arg)

Gene: ATP8B1 (ATPase phospholipid transporting 8B1; minus strand). Cytogenetic location: 18q21.31.
Variant type: single nucleotide variant.
Coding change: c.793T>C on transcript NM_001374385.1 (MANE Select); coding-DNA position 793, T replaced by C.
Protein change: p.Cys265Arg; replaces cysteine 265 with arginine.
Molecular consequence: missense variant.
Genome position (GRCh38, 1-based): chr18:57,695,318, A>G on the plus strand (T>C on the coding strand, the complement: ATP8B1 is on the minus strand). VCF-style: chr18-57695318-A-G. GRCh37 (hg19) VCF-style: chr18-55362550-A-G.
Other names: c.793T>C, p.Cys265Arg (NM_005603.6); c.643T>C, p.Cys215Arg (NM_001374386.1); short protein forms C215R, C265R.
Identifiers: ClinVar variation 4846631 (VCV004846631.1).
Genomic context (GRCh38, chr18:57,695,318, plus strand): 5'-TTGTGTTTCTCCAAAATAGTGTTCCTGTAAACTTATCTAGTCTGTTATTGGGTTCTTCAC[A>G]TTCAATAAAACCTTTTAAAAATATAAGATTCACATAATTAATCACATACAAAAGTCTTTC-3'
Protein context (NP_001361314.1, residues 255-275): TLATFDGFIE[Cys265Arg]EEPNNRLDKF